The following is an entry in ClinVar:

NM_000038.6(APC):c.221-5T>G

Gene: APC (APC regulator of Wnt signaling pathway; plus strand). Cytogenetic location: 5q22.2.
Variant type: single nucleotide variant.
Coding change: c.221-5T>G on transcript NM_000038.6 (MANE Select); 5 bases into the intron before coding-DNA position 221, T replaced by G.
Molecular consequence: intron variant.
Genome position (GRCh38, 1-based): chr5:112,767,184, T>G. VCF-style: chr5-112767184-T-G. GRCh37 (hg19) VCF-style: chr5-112102881-T-G.
Other names: c.221-5T>G (NM_001354895.2, NM_001127510.3, NM_001354896.2 and 2 more transcripts); c.251-5T>G (NM_001354897.2, NM_001354902.2, NM_001127511.3); c.146-5T>G (NM_001354898.2, NM_001354904.2); c.-815-5T>G (NM_001354906.2); c.44-5T>G (NM_001354900.2, NM_001354901.2, NM_001354905.2).
Identifiers: ClinVar variation 469734 (VCV000469734.12), dbSNP rs1057524155, ClinGen allele CA658657472.

ClinVar aggregate classification (germline): Conflicting classifications of pathogenicity. Review status: criteria provided, conflicting classifications (1 of 4 stars). 2 submissions from 2 submitters: Likely pathogenic (1); Uncertain significance (1). Last evaluated 2025-03-15.

Conditions:
Hereditary cancer-predisposing syndrome. Also called: Hereditary neoplastic syndrome; Neoplastic Syndromes, Hereditary; Tumor predisposition; Hereditary Cancer Syndrome. Identifiers: Orphanet 140162, MedGen C0027672, MeSH D009386, MONDO:0015356.
Familial adenomatous polyposis 1 (FAP1). Also called: POLYPOSIS, ADENOMATOUS INTESTINAL; FAMILIAL ADENOMATOUS POLYPOSIS 1, ATTENUATED. Identifiers: MedGen C2713442, MONDO:0021056, OMIM 175100. Disease mechanism: loss of function.

Submissions (2):

Labcorp Genetics (formerly Invitae), Labcorp
Classification: Uncertain significance for Familial adenomatous polyposis 1. Last evaluated: 2025-03-15. Review status: criteria provided, single submitter. Criteria: Invitae Variant Classification Sherloc (09022015). Collection method: clinical testing. Allele origin: germline.
Comment: This sequence change falls in intron 3 of the APC gene. It does not directly change the encoded amino acid sequence of the APC protein. RNA analysis indicates that this variant induces altered splicing and may result in an absent or altered protein product. This variant is not present in population databases (gnomAD no frequency). This variant has not been reported in the literature in individuals affected with APC-related conditions. ClinVar contains an entry for this variant (Variation ID: 469734). Studies have shown that this variant results in activation of a cryptic splice site, and produces a non-functional protein and/or introduces a premature termination codon (internal data). In summary, the available evidence is currently insufficient to determine the role of this variant in disease. Therefore, it has been classified as a Variant of Uncertain Significance.

Ambry Genetics
Classification: Likely pathogenic for Hereditary cancer-predisposing syndrome. Last evaluated: 2024-01-02. Review status: criteria provided, single submitter. Criteria: Ambry Variant Classification Scheme 2023. Collection method: clinical testing. Allele origin: germline.
Comment: The c.221-5T>G intronic variant results from a T to G substitution 5 nucleotides upstream from coding exon 3 in the APC gene. This alteration has been observed in at least one individual with a personal and/or family history that is consistent with APC-related disease (Ambry internal data). This nucleotide position is well conserved in available vertebrate species. In silico splice site analysis predicts that this alteration will weaken the native splice acceptor site and will result in the creation or strengthening of a novel splice acceptor site. RNA studies have demonstrated that this alteration results in abnormal splicing in the set of samples tested (Ambry internal data). Based on the majority of available evidence to date, this variant is likely to be pathogenic.